The following is an entry in ClinVar:

ClinVar aggregate classification (germline): Pathogenic (1 of 4 stars; one submission).

Conditions:
Hereditary cancer-predisposing syndrome. Also called: Tumor predisposition; Neoplastic Syndromes, Hereditary; Hereditary Cancer Syndrome; Hereditary neoplastic syndrome. Identifiers: Orphanet 140162, MedGen C0027672, MeSH D009386, MONDO:0015356.

Submission:

Ambry Genetics
Classification: Pathogenic for Hereditary cancer-predisposing syndrome. Last evaluated: 2025-01-27. Review status: criteria provided, single submitter. Criteria: Ambry Variant Classification Scheme 2023. Collection method: clinical testing. Allele origin: germline.
Comment: The c.3033_3037delGACTA pathogenic mutation, located in coding exon 10 of the PALB2 gene, results from a deletion of 5 nucleotides at nucleotide positions 3033 to 3037, causing a translational frameshift with a predicted alternate stop codon (p.E1011Dfs*6). This variant is considered to be rare based on population cohorts in the Genome Aggregation Database (gnomAD). This alteration is expected to result in loss of function by premature protein truncation or nonsense-mediated mRNA decay. As such, this alteration is interpreted as a disease-causing mutation.

NM_024675.4(PALB2):c.3033_3037del (p.Glu1011fs)

Gene: PALB2 (partner and localizer of BRCA2; minus strand). Cytogenetic location: 16p12.2.
Variant type: Deletion.
Coding change: c.3033_3037del on transcript NM_024675.4 (MANE Select); coding-DNA positions 3033 to 3037, 5 bases deleted (GACTA; older notation c.3033_3037delGACTA).
Protein change: p.Glu1011fs; shifts the reading frame from glutamic acid 1011.
Molecular consequence: frameshift variant. On other transcripts: intron variant (1).
Genome position (GRCh38, 1-based): chr16:23,621,438-23,621,442, TAGTC deleted on the plus strand (GACTA on the coding strand, the reverse complement: PALB2 is on the minus strand); deleting any 5 consecutive bases within chr16:23,621,438-23,621,443 gives the same sequence; the c. name uses the placement nearest the transcript's 3' end. VCF-style (leftmost placement, unchanged base first): chr16-23621437-ATAGTC-A. GRCh37 (hg19) VCF-style: chr16-23632758-ATAGTC-A.
Other names: c.2973_2977del, p.Glu991fs (NM_001407296.1); c.2961_2965del, p.Glu987fs (NM_001407297.1); c.2871_2875del, p.Glu957fs (NM_001407298.1, NM_001407302.1); c.3033_3037del, p.Glu1011fs (NM_001407299.1, NM_001407301.1); c.2148_2152del, p.Glu716fs (NM_001407304.1, NM_001407305.1, NM_001407306.1 and 4 more transcripts); c.1986_1990del, p.Glu662fs (NM_001407307.1); c.1245_1249del, p.Glu415fs (NM_001407312.1, NM_001407313.1); c.567_571del, p.Glu189fs (NM_001407314.1); and 2 more; short protein forms E716fs, E957fs, E1011fs, E415fs, E987fs, E991fs, E189fs, E662fs.
Identifiers: ClinVar variation 3885212 (VCV003885212.1).